The following is an entry in ClinVar:

ClinVar aggregate classification (germline): Uncertain significance (1 of 4 stars; one submission).

Allele frequency attached by ClinVar (database versions not stated): TOPMed below 0.00001; gnomAD 0.00001.
gnomAD v4.1: 1 of 1,613,730 alleles (0.000062%); highest among the groups gnomAD compares: Non-Finnish European, 0.000085%; no homozygotes.

Submission:

GeneDx
Classification: Uncertain significance. Last evaluated: 2022-12-02. Review status: criteria provided, single submitter. Criteria: GeneDx Variant Classification Process June 2021. Collection method: clinical testing. Allele origin: germline. Affected: yes.
Comment: Not observed at significant frequency in large population cohorts (gnomAD); Canonical splice site variant in a gene or region of a gene for which loss of function is not a well-established mechanism of disease; Has not been previously published as pathogenic or benign to our knowledge

NM_139343.3(BIN1):c.1263+2T>C

Gene: BIN1 (bridging integrator 1; minus strand). Cytogenetic location: 2q14.3.
Variant type: single nucleotide variant.
Coding change: c.1263+2T>C on transcript NM_139343.3 (MANE Select); the canonical splice donor site of the intron after coding-DNA position 1263, T replaced by C.
Molecular consequence: splice donor variant. On other transcripts: intron variant (12).
Genome position (GRCh38, 1-based): chr2:127,053,420, A>G on the plus strand (T>C on the coding strand, the complement: BIN1 is on the minus strand). VCF-style: chr2-127053420-A-G. GRCh37 (hg19) VCF-style: chr2-127810996-A-G.
Other names: c.1182+2T>C (NM_001320642.1); c.838-2508T>C (NM_001320634.1); c.910-2508T>C (NM_139351.3); c.910-2177T>C (NM_139350.3); c.910-1058T>C (NM_139349.3); c.1039-2177T>C (NM_139348.3); c.1039-1058T>C (NM_139347.3); c.1170+2T>C (NM_001320641.2); and 7 more.
Identifiers: ClinVar variation 2504992 (VCV002504992.1), dbSNP rs1335877822, ClinGen allele CA348376519.
Genomic context (GRCh38, chr2:127,053,420, plus strand): 5'-CTGGACACATACGGAAGAGTGGCTCCCCCAGGGGCTGGACAAAGAGCAGACGTGCAGCTT[A>G]CCTCCCAGAGGTCCCATGGAATTGACTGAGCGCAGCAGTGAGGGCGAGAAGGACAGTTAG-3'